The following is an entry in ClinVar:

ClinVar aggregate classification (germline): Uncertain significance (1 of 4 stars; one submission).

Conditions:
Epidermolysis bullosa simplex with nail dystrophy (EBS5D). Identifiers: MedGen C4225309, MONDO:0014661, OMIM 616487.
Epidermolysis bullosa simplex 5B, with muscular dystrophy (EBS5B). Also called: EPIDERMOLYSIS BULLOSA SIMPLEX AND LIMB-GIRDLE MUSCULAR DYSTROPHY; Epidermolysis bullosa simplex with muscular dystrophy. Identifiers: Orphanet 257, MedGen C2931072, MONDO:0009181, OMIM 226670.
Epidermolysis bullosa simplex, Ogna type (EBS5A). Also called: Pidermolysis bullosa simplex 5A, Ogna type; EPIDERMOLYSIS BULLOSA SIMPLEX 5A, OGNA TYPE. Identifiers: Orphanet 79401, MedGen C0432317, MONDO:0007555, OMIM 131950.
Autosomal recessive limb-girdle muscular dystrophy type 2Q (LGMDR17). Also called: MUSCULAR DYSTROPHY, LIMB-GIRDLE, AUTOSOMAL RECESSIVE 17. Identifiers: Orphanet 254361, MedGen C3150989, MONDO:0013390, OMIM 613723.
Epidermolysis bullosa simplex 5C, with pyloric atresia (EBS5C). Also called: PLEC-Related Epidermolysis Bullosa with Pyloric Atresia; Epidermolysis bullosa simplex with pyloric atresia; PLEC1-Related Epidermolysis Bullosa with Pyloric Atresia. Identifiers: Orphanet 158684, MedGen C2677349, MONDO:0012807, OMIM 612138.

Allele frequency attached by ClinVar (database versions not stated): gnomAD 0.00001 and 0.00002; gnomAD exomes 0.00001; TOPMed 0.00002.
gnomAD v4.1: 14 of 1,602,470 alleles (0.00087%); highest among the groups gnomAD compares: Middle Eastern, 0.016%; no homozygotes.

Submission:

Labcorp Genetics (formerly Invitae), Labcorp
Classification: Uncertain significance for Autosomal recessive limb-girdle muscular dystrophy type 2Q; Epidermolysis bullosa simplex, Ogna type; Epidermolysis bullosa simplex with nail dystrophy; Epidermolysis bullosa simplex 5C, with pyloric atresia; Epidermolysis bullosa simplex 5B, with muscular dystrophy. Last evaluated: 2025-06-12. Review status: criteria provided, single submitter. Criteria: Invitae Variant Classification Sherloc (09022015). Collection method: clinical testing. Allele origin: germline.
Comment: This sequence change replaces arginine, which is basic and polar, with histidine, which is basic and polar, at codon 2273 of the PLEC protein (p.Arg2273His). This variant is present in population databases (no rsID available, gnomAD 0.004%). This variant has not been reported in the literature in individuals affected with PLEC-related conditions. ClinVar contains an entry for this variant (Variation ID: 538964). An algorithm developed to predict the effect of missense changes on protein structure and function (PolyPhen-2) suggests that this variant is likely to be disruptive. In summary, the available evidence is currently insufficient to determine the role of this variant in disease. Therefore, it has been classified as a Variant of Uncertain Significance.

NM_201384.3(PLEC):c.6737G>A (p.Arg2246His)

Gene: PLEC (plectin; minus strand). Cytogenetic location: 8q24.3.
Variant type: single nucleotide variant.
Coding change: c.6737G>A on transcript NM_201384.3 (MANE Select); coding-DNA position 6737, G replaced by A.
Protein change: p.Arg2246His; replaces arginine 2246 with histidine.
Molecular consequence: missense variant.
Genome position (GRCh38, 1-based): chr8:143,923,192, C>T on the plus strand (G>A on the coding strand, the complement: PLEC is on the minus strand). VCF-style: chr8-143923192-C-T. GRCh37 (hg19) VCF-style: chr8-144997360-C-T.
Other names: c.6818G>A, p.Arg2273His (NM_000445.5); c.6695G>A, p.Arg2232His (NM_201378.4); c.6671G>A, p.Arg2224His (NM_201379.3); c.7148G>A, p.Arg2383His (NM_201380.4); c.6641G>A, p.Arg2214His (NM_201381.3); c.6737G>A, p.Arg2246His (NM_201382.4); c.6749G>A, p.Arg2250His (NM_201383.3); short protein forms R2214H, R2232H, R2273H, R2383H, R2224H, R2246H, R2250H.
Identifiers: ClinVar variation 538964 (VCV000538964.7), dbSNP rs1444747601, ClinGen allele CA372532776.